The following is an entry in ClinVar:

ClinVar aggregate classification (germline): Conflicting classifications of pathogenicity. Review status: criteria provided, conflicting classifications (1 of 4 stars). 4 submissions from 4 submitters: Uncertain significance (2); Likely benign (1). 1 of the submissions does not count toward it. Last evaluated 2025-12-19.

Conditions:
Inborn genetic diseases. Identifiers: MedGen C0950123, MeSH D030342.

Allele frequency attached by ClinVar (database versions not stated): gnomAD 0.00004; TOPMed 0.00004; ESP Exome Variant Server 0.00015.
gnomAD v4.1: 53 of 1,614,048 alleles (0.0033%); highest among the groups gnomAD compares: East Asian, 0.0067%; no homozygotes.

Submissions (4):

Labcorp Genetics (formerly Invitae), Labcorp
Classification: Likely benign. Last evaluated: 2025-12-19. Review status: criteria provided, single submitter. Criteria: Invitae Variant Classification Sherloc (09022015). Collection method: clinical testing. Allele origin: germline.

Ambry Genetics
Classification: Uncertain significance for Inborn genetic diseases. Last evaluated: 2022-12-06. Review status: criteria provided, single submitter. Criteria: Ambry Variant Classification Scheme 2023. Collection method: clinical testing. Allele origin: germline.

CeGaT Center for Human Genetics Tuebingen
Classification: Uncertain significance. Last evaluated: 2017-12-01. Review status: criteria provided, single submitter. Criteria: CeGaT Center For Human Genetics Tuebingen Variant Classification Criteria Version 2. Collection method: clinical testing. Allele origin: germline. Affected: yes. Observed: 1 variant allele.

Department of Pathology and Laboratory Medicine, Sinai Health System
Classification: Uncertain significance. Review status: no assertion criteria provided. Collection method: clinical testing. Allele origin: unknown. Affected: yes. Study: The Canadian Open Genetics Repository (COGR). Not counted in ClinVar's aggregate classification.
Comment: The FLNB p.Arg1256Gln variant was not identified in the literature nor was it identified in LOVD 3.0. The variant was identified in dbSNP (ID: rs148506076) and ClinVar (classified as uncertain significance by CeGaT Praxis fuer Humangenetik Tuebingen). The variant was identified in control databases in 14 of 282858 chromosomes at a frequency of 0.00004949 (Genome Aggregation Database March 6, 2019, v2.1.1). The variant was observed in the following populations: Other in 1 of 7226 chromosomes (freq: 0.000138), East Asian in 2 of 19950 chromosomes (freq: 0.0001), European (non-Finnish) in 10 of 129168 chromosomes (freq: 0.000077) and South Asian in 1 of 30616 chromosomes (freq: 0.000033), but was not observed in the African, Latino, Ashkenazi Jewish, or European (Finnish) populations. The p.Arg1256 residue is conserved in mammals and computational analyses (PolyPhen-2, SIFT, AlignGVGD, BLOSUM, MutationTaster) provide inconsistent predictions regarding the impact to the protein; this information is not very predictive of pathogenicity. The variant occurs outside of the splicing consensus sequence and three of four in silico or computational prediction software programs (SpliceSiteFinder, MaxEntScan, NNSPLICE, GeneSplicer) do not predict a greater than 10% difference in splicing; this is not very predictive of pathogenicity. In summary, based on the above information the clinical significance of this variant cannot be determined with certainty at this time. This variant is classified as a variant of uncertain significance.

NM_001457.4(FLNB):c.3767G>A (p.Arg1256Gln)

Gene: FLNB (filamin B; plus strand). Cytogenetic location: 3p14.3.
Variant type: single nucleotide variant.
Coding change: c.3767G>A on transcript NM_001457.4 (MANE Select); coding-DNA position 3767, G replaced by A.
Protein change: p.Arg1256Gln; replaces arginine 1256 with glutamine.
Molecular consequence: missense variant.
Genome position (GRCh38, 1-based): chr3:58,124,374, G>A. VCF-style: chr3-58124374-G-A. GRCh37 (hg19) VCF-style: chr3-58110101-G-A.
Other names: c.3767G>A, p.Arg1256Gln (NM_001164317.2, NM_001164318.2, NM_001164319.2); c.3767G>A (NM_001457.3); short protein forms R1256Q.
Identifiers: ClinVar variation 546938 (VCV000546938.51), dbSNP rs148506076, ClinGen allele CA2468532.